The following is an entry in ClinVar:

NM_001242896.3(DEPDC5):c.728G>A (p.Arg243Gln)

Gene: DEPDC5 (DEP domain containing 5, GATOR1 subcomplex subunit; plus strand). Cytogenetic location: 22q12.2.
Variant type: single nucleotide variant.
Coding change: c.728G>A on transcript NM_001242896.3 (MANE Select); coding-DNA position 728, G replaced by A.
Protein change: p.Arg243Gln; replaces arginine 243 with glutamine.
Molecular consequence: missense variant. On other transcripts: non-coding transcript variant (5).
Genome position (GRCh38, 1-based): chr22:31,792,778, G>A. VCF-style: chr22-31792778-G-A. GRCh37 (hg19) VCF-style: chr22-32188764-G-A.
Other names: c.728G>A, p.Arg243Gln (NM_001007188.4, NM_001136029.4, NM_001242897.2 and 7 more transcripts); c.644G>A, p.Arg215Gln (NM_001369901.1, NM_001369902.1); c.728G>A (NM_001242896.1); short protein forms R215Q, R243Q.
Identifiers: ClinVar variation 1052213 (VCV001052213.11), dbSNP rs368129922, ClinGen allele CA10196094.
Genomic context (GRCh38, chr22:31,792,778, plus strand): 5'-CTACATACTCCGTTTTCTCTATTTCAGATGAATTTCCTGAAATAAACCGAGCCTCAATTC[G>A]ACAGGATCACAAGGGGAGATTCTATGAAGACTTTTACAAGTATGTTTGGGTGCTTTGCTA-3'
Protein context (NP_001229825.1, residues 233-253): EFPEINRASI[Arg243Gln]QDHKGRFYED

ClinVar aggregate classification (germline): Uncertain significance. Review status: criteria provided, multiple submitters, no conflicts (2 of 4 stars). 3 submissions from 3 submitters: Uncertain significance (3). Last evaluated 2025-09-26.

Conditions:
Inborn genetic diseases. Identifiers: MedGen C0950123, MeSH D030342.
Familial focal epilepsy with variable foci (FPEVF). Identifiers: Orphanet 98820, MedGen C1858477, MONDO:0020310.

Allele frequency attached by ClinVar (database versions not stated): ExAC 0.00001; gnomAD 0.00001; ESP Exome Variant Server 0.00008.
gnomAD v4.1: 16 of 1,552,606 alleles (0.001%); highest among the groups gnomAD compares: Non-Finnish European, 0.0014%; no homozygotes.

Submissions (3):

Ambry Genetics
Classification: Uncertain significance for Inborn genetic diseases. Last evaluated: 2025-09-26. Review status: criteria provided, single submitter. Criteria: Ambry Variant Classification Scheme 2023. Collection method: clinical testing. Allele origin: germline.

Labcorp Genetics (formerly Invitae), Labcorp
Classification: Uncertain significance for Familial focal epilepsy with variable foci. Last evaluated: 2025-06-30. Review status: criteria provided, single submitter. Criteria: Invitae Variant Classification Sherloc (09022015). Collection method: clinical testing. Allele origin: germline.
Comment: This sequence change replaces arginine, which is basic and polar, with glutamine, which is neutral and polar, at codon 243 of the DEPDC5 protein (p.Arg243Gln). This variant is present in population databases (rs368129922, gnomAD 0.003%). This variant has not been reported in the literature in individuals affected with DEPDC5-related conditions. ClinVar contains an entry for this variant (Variation ID: 1052213). An algorithm developed to predict the effect of missense changes on protein structure and function outputs the following: PolyPhen-2: "Not Available". The glutamine amino acid residue is found in multiple mammalian species, which suggests that this missense change does not adversely affect protein function. In summary, the available evidence is currently insufficient to determine the role of this variant in disease. Therefore, it has been classified as a Variant of Uncertain Significance.

Blueprint Genetics
Classification: Uncertain significance. Last evaluated: 2024-09-02. Review status: criteria provided, single submitter. Criteria: ACMG Guidelines, 2015. Collection method: clinical testing. Allele origin: germline.